The following is an entry in ClinVar:

NM_000481.4(AMT):c.950A>G (p.Gln317Arg)

Gene: AMT (aminomethyltransferase; minus strand). Cytogenetic location: 3p21.31.
Variant type: single nucleotide variant.
Coding change: c.950A>G on transcript NM_000481.4 (MANE Select); coding-DNA position 950, A replaced by G.
Protein change: p.Gln317Arg; replaces glutamine 317 with arginine.
Molecular consequence: missense variant. On other transcripts: non-coding transcript variant (1).
Genome position (GRCh38, 1-based): chr3:49,417,901, T>C on the plus strand (A>G on the coding strand, the complement: AMT is on the minus strand). VCF-style: chr3-49417901-T-C. GRCh37 (hg19) VCF-style: chr3-49455334-T-C.
Other names: c.950A>G (NM_000481.3); c.818A>G, p.Gln273Arg (NM_001164710.2); c.782A>G, p.Gln261Arg (NM_001164711.2); c.950A>G, p.Gln317Arg (NM_001164712.2); short protein forms Q273R, Q261R, Q317R.
Identifiers: ClinVar variation 1498765 (VCV001498765.9), dbSNP rs146114174, ClinGen allele CA74512314.

ClinVar aggregate classification (germline): Uncertain significance. Review status: criteria provided, multiple submitters, no conflicts (2 of 4 stars). 2 submissions from 2 submitters: Uncertain significance (2). Last evaluated 2024-11-07.

Conditions:
Inborn genetic diseases. Identifiers: MedGen C0950123, MeSH D030342.
Glycine encephalopathy. Also called: Non-ketotic hyperglycinemia; Nonketotic hyperglycinemia. Identifiers: Orphanet 407, MedGen C0751748, MONDO:0011612, HP:0008288.

Allele frequency attached by ClinVar (database versions not stated): gnomAD exomes below 0.00001; ESP Exome Variant Server 0.00008.

Submissions (2):

Ambry Genetics
Classification: Uncertain significance for Inborn genetic diseases. Last evaluated: 2024-11-07. Review status: criteria provided, single submitter. Criteria: Ambry Variant Classification Scheme 2023. Collection method: clinical testing. Allele origin: germline.

Labcorp Genetics (formerly Invitae), Labcorp
Classification: Uncertain significance for Glycine encephalopathy. Last evaluated: 2022-06-27. Review status: criteria provided, single submitter. Criteria: Invitae Variant Classification Sherloc (09022015). Collection method: clinical testing. Allele origin: germline.
Comment: In summary, the available evidence is currently insufficient to determine the role of this variant in disease. Therefore, it has been classified as a Variant of Uncertain Significance. Advanced modeling of protein sequence and biophysical properties (such as structural, functional, and spatial information, amino acid conservation, physicochemical variation, residue mobility, and thermodynamic stability) performed at Invitae indicates that this missense variant is not expected to disrupt AMT protein function. This variant has not been reported in the literature in individuals affected with AMT-related conditions. This variant is present in population databases (rs146114174, gnomAD 0.007%). This sequence change replaces glutamine, which is neutral and polar, with arginine, which is basic and polar, at codon 317 of the AMT protein (p.Gln317Arg).